The following is an entry in ClinVar:

NM_015466.4(PTPN23):c.4790_4793dup (p.Arg1599fs)

Gene: PTPN23 (protein tyrosine phosphatase non-receptor type 23; plus strand). Cytogenetic location: 3p21.31.
Variant type: Duplication.
Coding change: c.4790_4793dup on transcript NM_015466.4 (MANE Select); coding-DNA positions 4790 to 4793, 4 bases duplicated (AACA; older notation c.4790_4793dupAACA).
Protein change: p.Arg1599fs; shifts the reading frame from arginine 1599.
Molecular consequence: frameshift variant.
Genome position (GRCh38, 1-based): chr3:47,413,064-47,413,067, AACA duplicated; duplicating any 4 consecutive bases within chr3:47,413,062-47,413,067 gives the same sequence; the c. name uses the placement nearest the transcript's 3' end. VCF-style (leftmost placement, unchanged base first): chr3-47413061-G-GCAAA. GRCh37 (hg19) VCF-style: chr3-47454551-G-GCAAA.
Other names: c.4412_4415dup, p.Arg1473fs (NM_001304482.2); short protein forms R1473fs, R1599fs.
Identifiers: ClinVar variation 1318874 (VCV001318874.2), dbSNP rs761707253, ClinGen allele CA2366707.

ClinVar aggregate classification (germline): Uncertain significance (1 of 4 stars; one submission).

Submission:

GeneDx
Classification: Uncertain significance. Last evaluated: 2019-03-28. Review status: criteria provided, single submitter. Criteria: GeneDx Variant Classification Process June 2021. Collection method: clinical testing. Allele origin: germline. Affected: yes.
Comment: Has not been previously published as pathogenic or benign to our knowledge; Frameshift variant predicted to result in protein truncation as the last 38 amino acids are lost and replaced with 6 incorrect amino acids, although loss-of-function variants have not been reported downstream of this position in the protein